The following is an entry in ClinVar:

NM_001366385.1(CARD14):c.1272T>A (p.Cys424Ter)

Gene: CARD14 (caspase recruitment domain family member 14; plus strand). Cytogenetic location: 17q25.3.
Variant type: single nucleotide variant.
Coding change: c.1272T>A on transcript NM_001366385.1 (MANE Select); coding-DNA position 1272, T replaced by A.
Protein change: p.Cys424Ter; replaces cysteine 424 with a stop codon.
Molecular consequence: nonsense. On other transcripts: non-coding transcript variant (1).
Genome position (GRCh38, 1-based): chr17:80,192,535, T>A. VCF-style: chr17-80192535-T-A. GRCh37 (hg19) VCF-style: chr17-78166334-T-A.
Other names: c.1272T>A, p.Cys424Ter (NM_001257970.1, NM_024110.4); c.561T>A, p.Cys187Ter (NM_052819.3); short protein forms C187*, C424*.
Identifiers: ClinVar variation 5008081 (VCV005008081.1).
Genomic context (GRCh38, chr17:80,192,535, plus strand): 5'-ACCAGCCTGTCTGGCCTGTCTTTGGCAGCTCAAGCAGGAAGCCAGGACCAGGGAGCCCTG[T>A]CCACGGGAGAAGCAGCGGCTGGTGCGGATGCATGCCATCTGCCCCAGAGACGACAGCGAC-3'

ClinVar aggregate classification (germline): Uncertain significance (1 of 4 stars; one submission).

Submission:

GeneDx
Classification: Uncertain significance. Last evaluated: 2026-02-26. Review status: criteria provided, single submitter. Criteria: GeneDx Variant Classification Process June 2021. Collection method: clinical testing. Allele origin: germline.
Comment: Not observed at significant frequency in large population cohorts (gnomAD); Nonsense variant predicted to result in protein truncation or nonsense mediated decay in a gene or region of a gene for which loss of function is not a well-established mechanism of disease; Has not been previously published as pathogenic or benign to our knowledge